The following is an entry in ClinVar:

NM_001171613.2(PREPL):c.364G>A (p.Glu122Lys)

Gene: PREPL (prolyl endopeptidase like; minus strand). Cytogenetic location: 2p21.
Variant type: single nucleotide variant.
Coding change: c.364G>A on transcript NM_001171613.2 (MANE Select); coding-DNA position 364, G replaced by A.
Protein change: p.Glu122Lys; replaces glutamic acid 122 with lysine.
Molecular consequence: missense variant.
Genome position (GRCh38, 1-based): chr2:44,342,538, C>T on the plus strand (G>A on the coding strand, the complement: PREPL is on the minus strand). VCF-style: chr2-44342538-C-T. GRCh37 (hg19) VCF-style: chr2-44569677-C-T.
Other names: c.631G>A, p.Glu211Lys (NM_001042385.2, NM_001042386.2, NM_001171603.1 and 4 more transcripts); c.364G>A, p.Glu122Lys (NM_001171617.1, NM_001374277.1); short protein forms E122K, E211K.
Identifiers: ClinVar variation 1007770 (VCV001007770.8), dbSNP rs147671673, ClinGen allele CA1641495.
Genomic context (GRCh38, chr2:44,342,538, plus strand): 5'-ATACGTCATGACAGCGAAGGTTCCTCTGGAAGGTGTAGAATAAAACATCTTCATCTTCCT[C>T]GTCCTTTACCCATTCTGAAAGAAAATAATGAGATAATTATACATAATCACCTACACTCCA-3'
Protein context (NP_001165084.1, residues 112-132): NVSSFEWVKD[Glu122Lys]EDEDVLFYTF

ClinVar aggregate classification (germline): Uncertain significance (1 of 4 stars; one submission).

Conditions:
Myasthenic syndrome, congenital, 22 (CMS22). Also called: PREPL DEFICIENCY. Identifiers: MedGen C4479088, MONDO:0044299, OMIM 616224.

Allele frequency attached by ClinVar (database versions not stated): ExAC 0.00003; gnomAD 0.00006; ESP Exome Variant Server 0.00008.
gnomAD v4.1: 166 of 1,599,704 alleles (0.01%); highest among the groups gnomAD compares: Non-Finnish European, 0.014%; no homozygotes.

Submission:

Labcorp Genetics (formerly Invitae), Labcorp
Classification: Uncertain significance for Myasthenic syndrome, congenital, 22. Last evaluated: 2022-10-17. Review status: criteria provided, single submitter. Criteria: Invitae Variant Classification Sherloc (09022015). Collection method: clinical testing. Allele origin: germline.
Comment: This variant is present in population databases (rs147671673, gnomAD 0.006%). In summary, the available evidence is currently insufficient to determine the role of this variant in disease. Therefore, it has been classified as a Variant of Uncertain Significance. Advanced modeling of protein sequence and biophysical properties (such as structural, functional, and spatial information, amino acid conservation, physicochemical variation, residue mobility, and thermodynamic stability) performed at Invitae indicates that this missense variant is not expected to disrupt PREPL protein function. ClinVar contains an entry for this variant (Variation ID: 1007770). This variant has not been reported in the literature in individuals affected with PREPL-related conditions. This sequence change replaces glutamic acid, which is acidic and polar, with lysine, which is basic and polar, at codon 211 of the PREPL protein (p.Glu211Lys).